The following is an entry in ClinVar:

NM_001211.6(BUB1B):c.2614A>G (p.Met872Val)

Gene: BUB1B (BUB1 mitotic checkpoint serine/threonine kinase B; plus strand). Cytogenetic location: 15q15.1.
Variant type: single nucleotide variant.
Coding change: c.2614A>G on transcript NM_001211.6 (MANE Select); coding-DNA position 2614, A replaced by G.
Protein change: p.Met872Val; replaces methionine 872 with valine.
Molecular consequence: missense variant.
Genome position (GRCh38, 1-based): chr15:40,213,410, A>G. VCF-style: chr15-40213410-A-G. GRCh37 (hg19) VCF-style: chr15-40505611-A-G.
Other names: short protein forms M872V.
Identifiers: ClinVar variation 3483194 (VCV003483194.1).

ClinVar aggregate classification (germline): Uncertain significance (1 of 4 stars; one submission).

Conditions:
Inborn genetic diseases. Identifiers: MedGen C0950123, MeSH D030342.

Submission:

Ambry Genetics
Classification: Uncertain significance for Inborn genetic diseases. Last evaluated: 2024-09-16. Review status: criteria provided, single submitter. Criteria: Ambry Variant Classification Scheme 2023. Collection method: clinical testing. Allele origin: germline.
Comment: The p.M872V variant (also known as c.2614A>G), located in coding exon 20 of the BUB1B gene, results from an A to G substitution at nucleotide position 2614. The methionine at codon 872 is replaced by valine, an amino acid with highly similar properties. This amino acid position is conserved. In addition, this alteration is predicted to be tolerated by in silico analysis. Based on the available evidence, the clinical significance of this variant remains unclear.